The following is an entry in ClinVar:

ClinVar aggregate classification (germline): Uncertain significance (1 of 4 stars; one submission).

Submission:

Women's Health and Genetics/Laboratory Corporation of America, LabCorp
Classification: Uncertain significance. Last evaluated: 2017-10-25. Review status: criteria provided, single submitter. Criteria: LabCorp Variant Classification Summary - May 2015. Collection method: clinical testing. Allele origin: germline.
Comment: Variant summary: The CYBB c.674+34T>G variant involves the alteration of a non-conserved intronic nucleotide and 4/5 splice prediction tools predict no significant impact on normal splicing. ESE finders predicts the variant could alter ESE binding. However, these predictions have yet to be confirmed by functional studies. This variant is absent in 175974 control chromosomes (gnomAD). The variant of interest has not, to our knowledge, been reported in affected individuals via publications and/or reputable databases/clinical diagnostic laboratories. Taken together, this variant is classified as a "Variant of Uncertain Significance - Possibly Benign."

NM_000397.4(CYBB):c.674+34T>G

Gene: CYBB (cytochrome b-245 beta chain; plus strand). Cytogenetic location: Xp21.1.
Variant type: single nucleotide variant.
Coding change: c.674+34T>G on transcript NM_000397.4 (MANE Select); 34 bases into the intron after coding-DNA position 674, T replaced by G.
Molecular consequence: intron variant.
Genome position (GRCh38, 1-based): chrX:37,796,175, T>G. VCF-style: chrX-37796175-T-G. GRCh37 (hg19) VCF-style: chrX-37655428-T-G.
Identifiers: ClinVar variation 633183 (VCV000633183.1), dbSNP rs1569479417, ClinGen allele CA913190351.